The following is an entry in ClinVar:

NM_198253.3(TERT):c.2757T>G (p.Phe919Leu)

Gene: TERT (telomerase reverse transcriptase; minus strand). Cytogenetic location: 5p15.33.
Variant type: single nucleotide variant.
Coding change: c.2757T>G on transcript NM_198253.3 (MANE Select); coding-DNA position 2757, T replaced by G.
Protein change: p.Phe919Leu; replaces phenylalanine 919 with leucine.
Molecular consequence: missense variant. On other transcripts: intron variant (1).
Genome position (GRCh38, 1-based): chr5:1,264,490, A>C on the plus strand (T>G on the coding strand, the complement: TERT is on the minus strand). VCF-style: chr5-1264490-A-C. GRCh37 (hg19) VCF-style: chr5-1264605-A-C.
Other names: c.2757T>G, p.Phe919Leu (NM_003219.1); c.2654+1974T>G (NM_001193376.3); short protein forms F919L.
Identifiers: ClinVar variation 2454085 (VCV002454085.2), dbSNP rs2478153288, ClinGen allele CA359071851.
Genomic context (GRCh38, chr5:1,264,490, plus strand): 5'-GGTCCGGGTATCCAGCAGCAGGCCGCACCAGGGGAATAGGCCGTGGGCCGGCATCTGAAC[A>C]AAAGCCGTGCCACCCAGGGCCTCGTCTTCTACAGGGAAGTTCACCACTGTCTTCCGCAAG-3'
Protein context (NP_937983.2, residues 909-929): VEDEALGGTA[Phe919Leu]VQMPAHGLFP

ClinVar aggregate classification (germline): Uncertain significance (1 of 4 stars; one submission).

Conditions:
Dyskeratosis congenita. Identifiers: Orphanet 1775, MedGen C0265965, MONDO:0015780.

Submission:

Ambry Genetics
Classification: Uncertain significance for Dyskeratosis congenita. Last evaluated: 2023-02-09. Review status: criteria provided, single submitter. Criteria: Ambry Variant Classification Scheme 2023. Collection method: clinical testing. Allele origin: germline.
Comment: The p.F919L variant (also known as c.2757T>G), located in coding exon 11 of the TERT gene, results from a T to G substitution at nucleotide position 2757. The phenylalanine at codon 919 is replaced by leucine, an amino acid with highly similar properties. This amino acid position is conserved. In addition, this alteration is predicted to be tolerated by in silico analysis. Since supporting evidence is limited at this time, the clinical significance of this alteration remains unclear.